The following is an entry in ClinVar:

ClinVar aggregate classification (germline): Uncertain significance (1 of 4 stars; one submission).

Conditions:
Ataxia-telangiectasia syndrome (AT). Also called: ATAXIA-TELANGIECTASIA, COMPLEMENTATION GROUP A; ATAXIA-TELANGIECTASIA, FRESNO VARIANT; Ataxia-telangiectasia; LOUIS-BAR SYNDROME; Cerebello-oculocutaneous telangiectasia; Immunodeficiency with ataxia telangiectasia. Identifiers: Orphanet 100, MedGen C0004135, MONDO:0008840, OMIM 208900.

Allele frequency attached by ClinVar (database versions not stated): gnomAD exomes below 0.00001.
gnomAD v4.1: 2 of 1,613,292 alleles (0.00012%); highest among the groups gnomAD compares: Middle Eastern, 0.017%; no homozygotes.

Submission:

Labcorp Genetics (formerly Invitae), Labcorp
Classification: Uncertain significance for Ataxia-telangiectasia syndrome. Last evaluated: 2022-07-16. Review status: criteria provided, single submitter. Criteria: Invitae Variant Classification Sherloc (09022015). Collection method: clinical testing. Allele origin: germline.
Comment: In summary, the available evidence is currently insufficient to determine the role of this variant in disease. Therefore, it has been classified as a Variant of Uncertain Significance. Advanced modeling of protein sequence and biophysical properties (such as structural, functional, and spatial information, amino acid conservation, physicochemical variation, residue mobility, and thermodynamic stability) performed at Invitae indicates that this missense variant is not expected to disrupt ATM protein function. This sequence change replaces serine, which is neutral and polar, with tyrosine, which is neutral and polar, at codon 274 of the ATM protein (p.Ser274Tyr). This variant is not present in population databases (gnomAD no frequency). This variant has not been reported in the literature in individuals affected with ATM-related conditions.

NM_000051.4(ATM):c.821C>A (p.Ser274Tyr)

Gene: ATM (ATM serine/threonine kinase; plus strand). Cytogenetic location: 11q22.3.
Variant type: single nucleotide variant.
Coding change: c.821C>A on transcript NM_000051.4 (MANE Select); coding-DNA position 821, C replaced by A.
Protein change: p.Ser274Tyr; replaces serine 274 with tyrosine.
Molecular consequence: missense variant.
Genome position (GRCh38, 1-based): chr11:108,244,946, C>A. VCF-style: chr11-108244946-C-A. GRCh37 (hg19) VCF-style: chr11-108115673-C-A.
Other names: c.821C>A, p.Ser274Tyr (NM_001351834.2); short protein forms S274Y.
Identifiers: ClinVar variation 2172124 (VCV002172124.4), dbSNP rs1591504377, ClinGen allele CA382529418.
Genomic context (GRCh38, chr11:108,244,946, plus strand): 5'-TAGGAGATGAAATTCTTCCCACTTTGCTTTATATTTGGACTCAACATAGGCTTAATGATT[C>A]TTTAAAAGAAGTCATTATTGAATTATTTCAACTGCAAATTTATATCCATCATCCGAAAGG-3'
Protein context (NP_000042.3, residues 264-284): YIWTQHRLND[Ser274Tyr]LKEVIIELFQ